The following is an entry in ClinVar:

ClinVar aggregate classification (germline): Pathogenic. Review status: criteria provided, multiple submitters, no conflicts (2 of 4 stars). 2 submissions from 2 submitters: Pathogenic (2). Last evaluated 2025-04-26.

Conditions:
Joubert syndrome 3 (JBTS3). Also called: AHI1-related Ciliopathy. Identifiers: Orphanet 220493, MedGen C1837713, MONDO:0012078, OMIM 608629.

Submissions (2):

Myriad Genetics, Inc.
Classification: Pathogenic for Joubert syndrome 3. Last evaluated: 2025-04-26. Review status: criteria provided, single submitter. Criteria: Myriad Autosomal Dominant, Autosomal Recessive and X-Linked Classification Criteria (2023). Collection method: clinical testing. Allele origin: unknown.
Comment: NM_001134831.1(AHI1):c.1614delA(V539Ffs*5) is expected to be pathogenic in the context of Joubert syndrome, AHI1-related. This variant is predicted to lead to an abnormal or absent protein product due to the creation of a premature termination codon in AHI1, a gene where loss-of-function variants are known to be pathogenic. Please note: this variant was assessed in the context of healthy population screening.

UW Hindbrain Malformation Research Program, University of Washington
Classification: Pathogenic for Joubert syndrome 3. Last evaluated: 2015-02-23. Review status: criteria provided, single submitter. Criteria: Bachmann-Gagescu et al. (J Med Genet. 2015). Collection method: research. Allele origin: unknown. Affected: yes.

NM_001134831.2(AHI1):c.1614del (p.Val539fs)

Gene: AHI1 (Abelson helper integration site 1; minus strand). Cytogenetic location: 6q23.3.
Variant type: Deletion.
Coding change: c.1614del on transcript NM_001134831.2 (MANE Select); coding-DNA position 1614, one base deleted (A; older notation c.1614delA).
Protein change: p.Val539fs; shifts the reading frame from valine 539.
Molecular consequence: frameshift variant.
Genome position (GRCh38, 1-based): chr6:135,448,302, T deleted on the plus strand (A on the coding strand, the reverse complement: AHI1 is on the minus strand); the first of 3 consecutive T bases (chr6:135,448,302-135,448,304); deleting any one gives the same sequence. VCF-style (leftmost placement, unchanged base first): chr6-135448301-CT-C. GRCh37 (hg19) VCF-style: chr6-135769439-CT-C.
Other names: c.1614del, p.Val539fs (NM_001134830.2, NM_001134832.2, NM_001350503.2 and 2 more transcripts); short protein forms V539fs.
Identifiers: ClinVar variation 217541 (VCV000217541.2), dbSNP rs863225141, ClinGen allele CA279494.